The following is an entry in ClinVar:

ClinVar aggregate classification (germline): Likely pathogenic (1 of 4 stars; one submission).

Conditions:
Charcot-Marie-Tooth disease type 4. Also called: Charcot-Marie-Tooth disease, type IV; Charcot-Marie-Tooth, Type 4. Identifiers: Orphanet 64749, MedGen C4082197, MONDO:0018995.

Allele frequency attached by ClinVar (database versions not stated): gnomAD exomes below 0.00001.
gnomAD v4.1: 1 of 1,578,508 alleles (0.000063%); highest among the groups gnomAD compares: Non-Finnish European, 0.000087%; no homozygotes.

Submission:

Labcorp Genetics (formerly Invitae), Labcorp
Classification: Likely pathogenic for Charcot-Marie-Tooth disease type 4. Last evaluated: 2022-10-19. Review status: criteria provided, single submitter. Criteria: Invitae Variant Classification Sherloc (09022015). Collection method: clinical testing. Allele origin: germline.
Comment: This variant is not present in population databases (gnomAD no frequency). This sequence change affects an acceptor splice site in intron 33 of the SBF2 gene. It is expected to disrupt RNA splicing. Variants that disrupt the donor or acceptor splice site typically lead to a loss of protein function (PMID: 16199547), and loss-of-function variants in SBF2 are known to be pathogenic (PMID: 12687498, 25873783). This variant has not been reported in the literature in individuals affected with SBF2-related conditions. In summary, the currently available evidence indicates that the variant is pathogenic, but additional data are needed to prove that conclusively. Therefore, this variant has been classified as Likely Pathogenic. Algorithms developed to predict the effect of sequence changes on RNA splicing suggest that this variant may disrupt the consensus splice site. ClinVar contains an entry for this variant (Variation ID: 1524210).

Literature cited by the submitters: PubMed 16199547; PubMed 12687498; PubMed 25873783.

NM_030962.4(SBF2):c.4571-1G>A

Genes: SBF2 (SET binding factor 2; minus strand), SBF2-AS1 (SBF2 antisense RNA 1; plus strand), LOC105369149 (uncharacterized LOC105369149; plus strand). Cytogenetic location: 11p15.4.
Variant type: single nucleotide variant.
Coding change: c.4571-1G>A on transcript NM_030962.4 (MANE Select); the canonical splice acceptor site of the intron before coding-DNA position 4571, G replaced by A.
Molecular consequence: splice acceptor variant.
Genome position (GRCh38, 1-based): chr11:9,790,684, C>T on the plus strand (G>A on the coding strand, the complement: SBF2 is on the minus strand). VCF-style: chr11-9790684-C-T. GRCh37 (hg19) VCF-style: chr11-9812231-C-T.
Other names: c.4442-1G>A (NM_001386342.1); c.4667-1G>A (NM_001386339.1).
Identifiers: ClinVar variation 1524210 (VCV001524210.6), dbSNP rs2133861770, ClinGen allele CA379635338.